The following is an entry in ClinVar:

ClinVar aggregate classification (germline): Benign. Review status: criteria provided, multiple submitters, no conflicts (2 of 4 stars). 6 submissions from 6 submitters: Benign (6). Last evaluated 2026-02-04.

Conditions:
Pontoneocerebellar hypoplasia. Also called: Non-syndromic pontocerebellar hypoplasia; Pontocerebellar hypoplasia. Identifiers: Orphanet 98523, MedGen C1261175, MONDO:0020135.

Allele frequency attached by ClinVar (database versions not stated): ExAC 0.02505; TOPMed 0.02590; 1000 Genomes Project 0.04473; 1000 Genomes Project 30x 0.04560; gnomAD exomes 0.01732 and 0.02474; ESP Exome Variant Server 0.01922; gnomAD 0.02309 and 0.02454.
gnomAD v4.1: 29,031 of 1,598,752 alleles (1.8%); highest among the groups gnomAD compares: South Asian, 5.6%; 501 homozygotes.

Submissions (6):

Labcorp Genetics (formerly Invitae), Labcorp
Classification: Benign. Last evaluated: 2026-02-04. Review status: criteria provided, single submitter. Criteria: Invitae Variant Classification Sherloc (09022015). Collection method: clinical testing. Allele origin: germline.

Illumina Laboratory Services, Illumina
Classification: Benign for Pontoneocerebellar hypoplasia. Last evaluated: 2018-01-13. Review status: criteria provided, single submitter. Criteria: ICSL Variant Classification Criteria 13 December 2019. Collection method: clinical testing. Allele origin: germline.
Comment: This variant was observed in the ICSL laboratory as part of a predisposition screen in an ostensibly healthy population. It had not been previously curated by ICSL or reported in the Human Gene Mutation Database (HGMD: prior to June 1st, 2018), and was therefore a candidate for classification through an automated scoring system. Utilizing variant allele frequency, disease prevalence and penetrance estimates, and inheritance mode, an automated score was calculated to assess if this variant is too frequent to cause the disease. Based on the score and internal cut-off values, a variant classified as benign is not then subjected to further curation. The score for this variant resulted in a classification of benign for this disease.

GeneDx
Classification: Benign. Last evaluated: 2014-06-04. Review status: criteria provided, single submitter. Criteria: GeneDx Variant Classification (06012015). Collection method: clinical testing. Allele origin: germline. Affected: yes.
Comment: This variant is considered likely benign or benign based on one or more of the following criteria: it is a conservative change, it occurs at a poorly conserved position in the protein, it is predicted to be benign by multiple in silico algorithms, and/or has population frequency not consistent with disease.

Genetic Services Laboratory, University of Chicago
Classification: Benign. Last evaluated: 2013-02-08. Review status: criteria provided, single submitter. Criteria: ACMG Guidelines, 2007. Collection method: clinical testing. Allele origin: germline. Inheritance: Autosomal recessive inheritance.

Breakthrough Genomics
Classification: Benign. Review status: criteria provided, single submitter. Criteria: ACMG Guidelines, 2015. Collection method: not provided. Allele origin: germline. Inheritance: Autosomal recessive inheritance. Affected: yes.

PreventionGenetics, part of Exact Sciences
Classification: Benign. Review status: criteria provided, single submitter. Criteria: ACMG Guidelines, 2015. Collection method: clinical testing. Allele origin: germline.

NM_025265.4(TSEN2):c.639T>C (p.Asp213=)

Gene: TSEN2 (tRNA splicing endonuclease subunit 2; plus strand). Cytogenetic location: 3p25.2.
Variant type: single nucleotide variant.
Coding change: c.639T>C on transcript NM_025265.4 (MANE Select); coding-DNA position 639, T replaced by C.
Protein change: p.Asp213=; no amino-acid change (aspartic acid 213 retained).
Molecular consequence: synonymous variant. On other transcripts: non-coding transcript variant (1), intron variant (1).
Genome position (GRCh38, 1-based): chr3:12,503,592, T>C. VCF-style: chr3-12503592-T-C. GRCh37 (hg19) VCF-style: chr3-12545091-T-C.
Other names: p.D213D:GAT>GAC; c.639T>C, p.Asp213= (NM_001145392.2, NM_001145393.3, NM_001321277.2 and 2 more transcripts); c.517-55T>C (NM_001145394.2).
Identifiers: ClinVar variation 137750 (VCV000137750.18), dbSNP rs3796329, ClinGen allele CA173687.